The following is an entry in ClinVar:

NM_006206.6(PDGFRA):c.391C>G (p.Leu131Val)

Gene: PDGFRA (platelet derived growth factor receptor alpha; plus strand). Cytogenetic location: 4q12.
Variant type: single nucleotide variant.
Coding change: c.391C>G on transcript NM_006206.6 (MANE Select); coding-DNA position 391, C replaced by G.
Protein change: p.Leu131Val; replaces leucine 131 with valine.
Molecular consequence: missense variant.
Genome position (GRCh38, 1-based): chr4:54,263,690, C>G. VCF-style: chr4-54263690-C-G. GRCh37 (hg19) VCF-style: chr4-55129857-C-G.
Other names: c.391C>G, p.Leu131Val (NM_001347827.2, NM_001347829.2); c.466C>G, p.Leu156Val (NM_001347828.2); c.430C>G, p.Leu144Val (NM_001347830.2); short protein forms L156V, L131V, L144V.
Identifiers: ClinVar variation 2764528 (VCV002764528.4), dbSNP rs2110250704, ClinGen allele CA356889661.

ClinVar aggregate classification (germline): Uncertain significance. Review status: criteria provided, multiple submitters, no conflicts (2 of 4 stars). 2 submissions from 2 submitters: Uncertain significance (2). Last evaluated 2026-03-20.

Conditions:
Hereditary cancer-predisposing syndrome. Also called: Neoplastic Syndromes, Hereditary; Tumor predisposition; Hereditary Cancer Syndrome; Hereditary neoplastic syndrome. Identifiers: Orphanet 140162, MedGen C0027672, MeSH D009386, MONDO:0015356.
Gastrointestinal stromal tumor. Also called: Gastrointestinal stromal tumor, somatic; Gastrointestinal stroma tumor. Identifiers: Orphanet 44890, MedGen C0238198, MeSH D046152, MONDO:0011719, OMIM 606764, HP:0100723.

Submissions (2):

Ambry Genetics
Classification: Uncertain significance for Hereditary cancer-predisposing syndrome. Last evaluated: 2026-03-20. Review status: criteria provided, single submitter. Criteria: Ambry Variant Classification Scheme 2023. Collection method: clinical testing. Allele origin: germline.
Comment: The p.L131V variant (also known as c.391C>G), located in coding exon 3 of the PDGFRA gene, results from a C to G substitution at nucleotide position 391. The leucine at codon 131 is replaced by valine, an amino acid with highly similar properties. This amino acid position is conserved. In addition, this alteration is predicted to be tolerated by in silico analysis. Based on the available evidence, the clinical significance of this variant remains unclear.

Labcorp Genetics (formerly Invitae), Labcorp
Classification: Uncertain significance for Gastrointestinal stromal tumor. Last evaluated: 2023-09-30. Review status: criteria provided, single submitter. Criteria: Invitae Variant Classification Sherloc (09022015). Collection method: clinical testing. Allele origin: germline.
Comment: This sequence change replaces leucine, which is neutral and non-polar, with valine, which is neutral and non-polar, at codon 131 of the PDGFRA protein (p.Leu131Val). This variant is not present in population databases (gnomAD no frequency). In summary, the available evidence is currently insufficient to determine the role of this variant in disease. Therefore, it has been classified as a Variant of Uncertain Significance. Advanced modeling of protein sequence and biophysical properties (such as structural, functional, and spatial information, amino acid conservation, physicochemical variation, residue mobility, and thermodynamic stability) performed at Invitae indicates that this missense variant is not expected to disrupt PDGFRA protein function. This variant has not been reported in the literature in individuals affected with PDGFRA-related conditions.